The following is an entry in ClinVar:

ClinVar aggregate classification (germline): Uncertain significance (1 of 4 stars; one submission).

Conditions:
Arthrogryposis multiplex congenita 6. Identifiers: MedGen C5543431, MONDO:0030281, OMIM 619334.

Submission:

Neuberg Centre For Genomic Medicine, NCGM
Classification: Uncertain significance for Arthrogryposis multiplex congenita 6. Review status: criteria provided, single submitter. Criteria: ACMG Guidelines, 2015. Collection method: clinical testing. Allele origin: germline. Inheritance: Autosomal recessive inheritance. Affected: yes.
Comment: The observed missense variant c.9478G>A(p.Asp3160Asn) in NEB gene has not been reported previously as a pathogenic variant nor as a benign variant, to our knowledge. This variant is absent in gnomAD Exomes. The amino acid Asp at position 3160 is changed to a Asn changing protein sequence and it might alter its composition and physico-chemical properties. Computational evidence (SIFT-Tolerated and MutationTaster-disease causing) predicts conflicting evidence on protein structure and function for this variant. The reference amino acid p.Asp3160Asn in NEB is predicted as conserved by GERP++ and PhyloP across 100 vertebrates. For these reasons, this variant has been classified as Uncertain Significance.

NM_001164508.2(NEB):c.9478G>A (p.Asp3160Asn)

Gene: NEB (nebulin; minus strand). Cytogenetic location: 2q23.3.
Variant type: single nucleotide variant.
Coding change: c.9478G>A on transcript NM_001164508.2 (MANE Select); coding-DNA position 9478, G replaced by A.
Protein change: p.Asp3160Asn; replaces aspartic acid 3160 with asparagine.
Molecular consequence: missense variant. On other transcripts: intron variant (1).
Genome position (GRCh38, 1-based): chr2:151,631,283, C>T on the plus strand (G>A on the coding strand, the complement: NEB is on the minus strand). VCF-style: chr2-151631283-C-T. GRCh37 (hg19) VCF-style: chr2-152487797-C-T.
Other names: c.9478G>A, p.Asp3160Asn (NM_001164507.2, NM_001271208.2); c.8854-105G>A (NM_004543.5); short protein forms D3160N.
Identifiers: ClinVar variation 3731283 (VCV003731283.1).